The following is an entry in ClinVar:

NM_001394998.1(TANC2):c.3202G>A (p.Ala1068Thr)

Genes: TANC2 (tetratricopeptide repeat, ankyrin repeat and coiled-coil containing 2; plus strand), LOC105371856 (uncharacterized LOC105371856; minus strand). Cytogenetic location: 17q23.3.
Variant type: single nucleotide variant.
Coding change: c.3202G>A on transcript NM_001394998.1 (MANE Select); coding-DNA position 3202, G replaced by A.
Protein change: p.Ala1068Thr; replaces alanine 1068 with threonine.
Molecular consequence: missense variant.
Genome position (GRCh38, 1-based): chr17:63,395,893, G>A. VCF-style: chr17-63395893-G-A. GRCh37 (hg19) VCF-style: chr17-61473254-G-A.
Other names: c.2980G>A, p.Ala994Thr (NM_001411076.1, NM_025185.4); short protein forms A1068T, A994T.
Identifiers: ClinVar variation 3047468 (VCV003047468.2), dbSNP rs2510284947, ClinGen allele CA400533759.

ClinVar aggregate classification (germline): Uncertain significance (0 of 4 stars; one submission).

Conditions:
TANC2-related disorder. Also called: TANC2-related condition.

Submission:

PreventionGenetics, part of Exact Sciences
Classification: Uncertain significance for TANC2-related condition. Last evaluated: 2024-03-18. Review status: no assertion criteria provided. Collection method: clinical testing. Allele origin: germline.
Comment: The TANC2 c.2980G>A variant is predicted to result in the amino acid substitution p.Ala994Thr. To our knowledge, this variant has not been reported in the literature or in a large population database, indicating this variant is rare. At this time, the clinical significance of this variant is uncertain due to the absence of conclusive functional and genetic evidence.